The following is an entry in ClinVar:

NM_000057.4(BLM):c.178T>A (p.Leu60Ile)

Gene: BLM (BLM RecQ like helicase; plus strand). Cytogenetic location: 15q26.1.
Variant type: single nucleotide variant.
Coding change: c.178T>A on transcript NM_000057.4 (MANE Select); coding-DNA position 178, T replaced by A.
Protein change: p.Leu60Ile; replaces leucine 60 with isoleucine.
Molecular consequence: missense variant. On other transcripts: 5 prime UTR variant (1).
Genome position (GRCh38, 1-based): chr15:90,749,446, T>A. VCF-style: chr15-90749446-T-A. GRCh37 (hg19) VCF-style: chr15-91292676-T-A.
Other names: c.178T>A (LRG_20t1); c.178T>A, p.Leu60Ile (NM_001287246.2, NM_001287247.2); c.-1114T>A (NM_001287248.2); short protein forms L60I.
Identifiers: ClinVar variation 133710 (VCV000133710.31), dbSNP rs138542210, ClinGen allele CA157427.

ClinVar aggregate classification (germline): Conflicting classifications of pathogenicity. Review status: criteria provided, conflicting classifications (1 of 4 stars). 11 submissions from 11 submitters: Uncertain significance (2); Benign (2); Likely benign (3). 4 of the submissions do not count toward it. Last evaluated 2026-01-28.

Conditions:
BLM-related disorder. Also called: BLM-related condition.
Hereditary cancer-predisposing syndrome. Also called: Tumor predisposition; Hereditary neoplastic syndrome; Neoplastic Syndromes, Hereditary; Hereditary Cancer Syndrome. Identifiers: Orphanet 140162, MedGen C0027672, MeSH D009386, MONDO:0015356.
Hereditary breast ovarian cancer syndrome. Also called: Hereditary breast and ovarian cancer; Breast and ovarian cancer; Hereditary breast and ovarian cancer syndrome (HBOC); Hereditary breast and/or ovarian cancer syndrome; Hereditary breast and ovarian cancer syndrome; BRCA1- and BRCA2-Associated Hereditary Breast and Ovarian Cancer. Identifiers: Orphanet 145, MedGen C0677776, MeSH D061325, MONDO:0003582. Disease mechanism: loss of function.
Bloom syndrome (BLM). Also called: Bloom-Torre-Machacek syndrome. Identifiers: Orphanet 125, MedGen C0005859, MONDO:0008876, OMIM 210900.
Microcephaly. Also called: Microcephaly (disease). Identifiers: MedGen C4551563, MONDO:0001149, HP:0000252.

Allele frequency attached by ClinVar (database versions not stated): gnomAD 0.00007 and 0.00014; TOPMed 0.00014; gnomAD exomes 0.00016 and 0.00026; ExAC 0.00032; 1000 Genomes Project 30x 0.00062; 1000 Genomes Project 0.00080.
gnomAD v4.1: 255 of 1,612,296 alleles (0.016%); highest among the groups gnomAD compares: East Asian, 0.55%; 2 homozygotes.

Submissions (11):

Labcorp Genetics (formerly Invitae), Labcorp
Classification: Benign for Bloom syndrome. Last evaluated: 2026-01-28. Review status: criteria provided, single submitter. Criteria: Invitae Variant Classification Sherloc (09022015). Collection method: clinical testing. Allele origin: germline.

Quest Diagnostics Nichols Institute San Juan Capistrano
Classification: Benign. Last evaluated: 2025-10-16. Review status: criteria provided, single submitter. Criteria: Quest Diagnostics criteria. Collection method: clinical testing. Allele origin: unknown.

Sema4
Classification: Likely benign for Hereditary cancer-predisposing syndrome. Last evaluated: 2022-01-19. Review status: criteria provided, single submitter. Criteria: Sema4 Curation Guidelines. Collection method: curation. Allele origin: germline.

Ambry Genetics
Classification: Likely benign for Hereditary cancer-predisposing syndrome. Last evaluated: 2020-12-17. Review status: criteria provided, single submitter. Criteria: Ambry Variant Classification Scheme 2023. Collection method: clinical testing. Allele origin: germline.

Genetic Services Laboratory, University of Chicago
Classification: Uncertain significance. Last evaluated: 2019-09-09. Review status: criteria provided, single submitter. Criteria: ACMG Guidelines, 2015. Collection method: clinical testing. Allele origin: germline. Affected: no.

Cancer Genomics Group, Japanese Foundation For Cancer Research
Classification: Uncertain significance for Hereditary breast and ovarian cancer syndrome. Last evaluated: 2019-05-01. Review status: criteria provided, single submitter. Criteria: ACMG Guidelines, 2015. Collection method: research. Allele origin: germline. Affected: yes.

Illumina Laboratory Services, Illumina
Classification: Likely benign for Bloom syndrome. Last evaluated: 2018-01-13. Review status: criteria provided, single submitter. Criteria: ICSL Variant Classification Criteria 13 December 2019. Collection method: clinical testing. Allele origin: germline.
Comment: This variant was observed in the ICSL laboratory as part of a predisposition screen in an ostensibly healthy population. It had not been previously curated by ICSL or reported in the Human Gene Mutation Database (HGMD: prior to June 1st, 2018), and was therefore a candidate for classification through an automated scoring system. Utilizing variant allele frequency, disease prevalence and penetrance estimates, and inheritance mode, an automated score was calculated to assess if this variant is too frequent to cause the disease. Based on the score and internal cut-off values, a variant classified as likely benign is not then subjected to further curation. The score for this variant resulted in a classification of likely benign for this disease.

PreventionGenetics, part of Exact Sciences
Classification: Likely benign for BLM-related condition. Last evaluated: 2020-10-13. Review status: no assertion criteria provided. Collection method: clinical testing. Allele origin: germline. Not counted in ClinVar's aggregate classification.
Comment: This variant is classified as likely benign based on ACMG/AMP sequence variant interpretation guidelines (Richards et al. 2015 PMID: 25741868, with internal and published modifications).

Natera, Inc.
Classification: Benign for Bloom syndrome. Last evaluated: 2019-08-06. Review status: no assertion criteria provided. Collection method: clinical testing. Allele origin: germline. Not counted in ClinVar's aggregate classification.

ITMI
No classification provided. Condition: AllHighlyPenetrant. Last evaluated: 2013-09-19. Review status: no classification provided. Collection method: reference population. Allele origin: germline. Not counted in ClinVar's aggregate classification.
Comment: Please see associated publication for description of ethnicities

Department of Pediatrics, Samsung Medical Center, Samsung Medical Center
Classification: Uncertain significance for Microcephaly. Review status: no assertion criteria provided. Criteria: ACMG Guidelines, 2015. Collection method: research. Allele origin: germline. Affected: yes. Not counted in ClinVar's aggregate classification.

Literature cited by the submitters: PubMed 24728327 (cited by 3 submitters).